The following is an entry in ClinVar:

NM_006059.4(LAMC3):c.553G>A (p.Glu185Lys)

Gene: LAMC3 (laminin subunit gamma 3; plus strand). Cytogenetic location: 9q34.12.
Variant type: single nucleotide variant.
Coding change: c.553G>A on transcript NM_006059.4 (MANE Select); coding-DNA position 553, G replaced by A.
Protein change: p.Glu185Lys; replaces glutamic acid 185 with lysine.
Molecular consequence: missense variant.
Genome position (GRCh38, 1-based): chr9:131,026,464, G>A. VCF-style: chr9-131026464-G-A. GRCh37 (hg19) VCF-style: chr9-133901851-G-A.
Other names: short protein forms E185K.
Identifiers: ClinVar variation 1477410 (VCV001477410.5), dbSNP rs1295756682, ClinGen allele CA375252694.

ClinVar aggregate classification (germline): Uncertain significance (1 of 4 stars; one submission).

Allele frequency attached by ClinVar (database versions not stated): TOPMed below 0.00001; gnomAD 0.00001.
gnomAD v4.1: 11 of 1,613,400 alleles (0.00068%); highest among the groups gnomAD compares: Middle Eastern, 0.016%; no homozygotes.

Submission:

Labcorp Genetics (formerly Invitae), Labcorp
Classification: Uncertain significance. Last evaluated: 2021-09-01. Review status: criteria provided, single submitter. Criteria: Invitae Variant Classification Sherloc (09022015). Collection method: clinical testing. Allele origin: germline.
Comment: This sequence change replaces glutamic acid with lysine at codon 185 of the LAMC3 protein (p.Glu185Lys). The glutamic acid residue is highly conserved and there is a small physicochemical difference between glutamic acid and lysine. This variant is not present in population databases (ExAC no frequency). This variant has not been reported in the literature in individuals affected with LAMC3-related conditions. Algorithms developed to predict the effect of missense changes on protein structure and function (SIFT, PolyPhen-2, Align-GVGD) all suggest that this variant is likely to be disruptive. In summary, the available evidence is currently insufficient to determine the role of this variant in disease. Therefore, it has been classified as a Variant of Uncertain Significance.